The following is an entry in ClinVar:

NM_000492.4(CFTR):c.3628A>C (p.Met1210Leu)

Genes: CFTR (CF transmembrane conductance regulator; plus strand), CFTR-AS2 (CFTR antisense RNA 2; minus strand). Cytogenetic location: 7q31.2.
Variant type: single nucleotide variant.
Coding change: c.3628A>C on transcript NM_000492.4 (MANE Select); coding-DNA position 3628, A replaced by C.
Protein change: p.Met1210Leu; replaces methionine 1210 with leucine.
Molecular consequence: missense variant.
Genome position (GRCh38, 1-based): chr7:117,627,681, A>C. VCF-style: chr7-117627681-A-C. GRCh37 (hg19) VCF-style: chr7-117267735-A-C.
Other names: short protein forms M1210L.
Identifiers: ClinVar variation 645945 (VCV000645945.8), dbSNP rs151264397, ClinGen allele CA4451510.

ClinVar aggregate classification (germline): Uncertain significance. Review status: criteria provided, multiple submitters, no conflicts (2 of 4 stars). 3 submissions from 3 submitters: Uncertain significance (2). 1 of the submissions does not count toward it. Last evaluated 2022-09-03.

Conditions:
Cystic fibrosis (CF). Also called: MUCOVISCIDOSIS. Identifiers: Orphanet 586, MedGen C0010674, MONDO:0009061, OMIM 219700. Disease mechanism: loss of function.

Allele frequency attached by ClinVar (database versions not stated): gnomAD exomes below 0.00001; ExAC 0.00001.

Submissions (3):

Ambry Genetics
Classification: Uncertain significance for Cystic fibrosis. Last evaluated: 2022-09-03. Review status: criteria provided, single submitter. Criteria: Ambry Variant Classification Scheme 2023. Collection method: clinical testing. Allele origin: germline.
Comment: The p.M1210L variant (also known as c.3628A>C), located in coding exon 22 of the CFTR gene, results from an A to C substitution at nucleotide position 3628. The methionine at codon 1210 is replaced by leucine, an amino acid with highly similar properties. This amino acid position is conserved. In addition, the in silico prediction for this alteration is inconclusive. Since supporting evidence is limited at this time, the clinical significance of this alteration remains unclear.

Labcorp Genetics (formerly Invitae), Labcorp
Classification: Uncertain significance for Cystic fibrosis. Last evaluated: 2021-09-01. Review status: criteria provided, single submitter. Criteria: Invitae Variant Classification Sherloc (09022015). Collection method: clinical testing. Allele origin: germline.
Comment: This sequence change replaces methionine with leucine at codon 1210 of the CFTR protein (p.Met1210Leu). The methionine residue is moderately conserved and there is a small physicochemical difference between methionine and leucine. This variant is present in population databases (rs151264397, ExAC 0.002%). This variant has not been reported in the literature in individuals affected with CFTR-related conditions. Algorithms developed to predict the effect of missense changes on protein structure and function (SIFT, PolyPhen-2, Align-GVGD) all suggest that this variant is likely to be tolerated. In summary, the available evidence is currently insufficient to determine the role of this variant in disease. Therefore, it has been classified as a Variant of Uncertain Significance.

Natera, Inc.
Classification: Uncertain significance for Cystic Fibrosis. Last evaluated: 2020-09-16. Review status: no assertion criteria provided. Collection method: clinical testing. Allele origin: germline. Not counted in ClinVar's aggregate classification.